The following is an entry in ClinVar:

ClinVar aggregate classification (germline): Benign. Review status: criteria provided, multiple submitters, no conflicts (2 of 4 stars). 6 submissions from 6 submitters: Benign (5). 1 of the submissions does not count toward it. Last evaluated 2026-02-04.

Conditions:
Congenital total pulmonary venous return anomaly (TAPVR1). Also called: TOTAL ANOMALOUS PULMONARY VENOUS RETURN 1; Total anomalous pulmonary venous return. Identifiers: Orphanet 99125, MedGen C4551903, MONDO:0007130, OMIM 106700, HP:0005160.
ANKRD1-related dilated cardiomyopathy. Identifiers: MedGen CN119551.

Submissions (7):

Labcorp Genetics (formerly Invitae), Labcorp
Classification: Benign for ANKRD1-related dilated cardiomyopathy. Last evaluated: 2026-02-04. Review status: criteria provided, single submitter. Criteria: Invitae Variant Classification Sherloc (09022015). Collection method: clinical testing. Allele origin: germline.

Women's Health and Genetics/Laboratory Corporation of America, LabCorp
Classification: Benign. Last evaluated: 2023-04-17. Review status: criteria provided, single submitter. Criteria: LabCorp Variant Classification Summary - May 2015. Collection method: clinical testing. Allele origin: germline.

Genome Diagnostics Laboratory, University Medical Center Utrecht
Classification: Benign for Congenital total pulmonary venous return anomaly. Last evaluated: 2016-05-11. Review status: criteria provided, single submitter. Criteria: ACGS Guidelines, 2013. Collection method: clinical testing. Allele origin: germline. Affected: yes. Study: VKGL Data-share Consensus.

GeneDx
Classification: Benign. Last evaluated: 2015-03-03. Review status: criteria provided, single submitter. Criteria: GeneDx Variant Classification Process June 2021. Collection method: clinical testing. Allele origin: germline. Affected: yes.

Laboratory for Molecular Medicine, Mass General Brigham Personalized Medicine
Classification: Benign. Last evaluated: 2013-03-06. Review status: criteria provided, single submitter. Criteria: LMM Criteria. Collection method: clinical testing. Allele origin: germline. Observed: 1 variant allele.
Comment: 346-19_346-14del in intron 3 of ANKRD1: This variant is not expected to have cli nical significance because it has been identified in 6% (6/100) of control chrom osomes by our laboratory (LMM unpublished data). In addition, this variant lies within a highly variable region of the intron where multiple deletions of variou s sizes identified in the general population have been observed, suggesting that variation in this region is tolerated.

Clinical Genetics, Academic Medical Center
Classification: Benign. Review status: no assertion criteria provided. Collection method: clinical testing. Allele origin: germline. Affected: yes. Study: VKGL Data-share Consensus. Not counted in ClinVar's aggregate classification.

Dr. Peter K. Rogan Lab, Western University
No classification provided (evidence only). Condition: Cholangiocarcinoma. Review status: no classification provided. Collection method: in vitro. Allele origin: not applicable. Functional consequence: retained intron. Not counted in ClinVar's aggregate classification.

NM_014391.3(ANKRD1):c.346-19_346-14del

Gene: ANKRD1 (ankyrin repeat domain 1; minus strand). Cytogenetic location: 10q23.31.
Variant type: Deletion.
Coding change: c.346-19_346-14del on transcript NM_014391.3 (MANE Select); 19 bases into the intron before coding-DNA position 346 through 14 bases into the intron before coding-DNA position 346, 6 bases deleted (TTATTT; older notation c.346-19_346-14delTTATTT).
Molecular consequence: intron variant.
Genome position (GRCh38, 1-based): chr10:90,918,986-90,918,991, AAATAA deleted on the plus strand (TTATTT on the coding strand, the reverse complement: ANKRD1 is on the minus strand); deleting any 6 consecutive bases within chr10:90,918,986-90,918,992 gives the same sequence; the c. name uses the placement nearest the transcript's 3' end. VCF-style (leftmost placement, unchanged base first): chr10-90918985-TAAATAA-T. GRCh37 (hg19) VCF-style: chr10-92678742-TAAATAA-T.
Other names: NC_000010.10:g.92678744_92678749del; c.346-19_346-14delTTATTT (NM_014391.2); c.346-20_346-15del (NM_014391.3).
Identifiers: ClinVar variation 45632 (VCV000045632.19), dbSNP rs58762441, ClinGen allele CA136837.